The following is an entry in ClinVar:

ClinVar aggregate classification (germline): Uncertain significance. Review status: criteria provided, multiple submitters, no conflicts (2 of 4 stars). 2 submissions from 2 submitters: Uncertain significance (2). Last evaluated 2024-08-27.

Submissions (2):

Ambry Genetics
Classification: Uncertain significance. Last evaluated: 2024-08-27. Review status: criteria provided, single submitter. Criteria: Ambry Variant Classification Scheme 2023. Collection method: clinical testing. Allele origin: germline.

Labcorp Genetics (formerly Invitae), Labcorp
Classification: Uncertain significance. Last evaluated: 2022-11-29. Review status: criteria provided, single submitter. Criteria: Invitae Variant Classification Sherloc (09022015). Collection method: clinical testing. Allele origin: germline.
Comment: This variant has not been reported in the literature in individuals affected with ADGRE2-related conditions. Algorithms developed to predict the effect of missense changes on protein structure and function are either unavailable or do not agree on the potential impact of this missense change (SIFT: "Deleterious"; PolyPhen-2: "Probably Damaging"; Align-GVGD: "Class C0"). In summary, the available evidence is currently insufficient to determine the role of this variant in disease. Therefore, it has been classified as a Variant of Uncertain Significance. This variant is not present in population databases (gnomAD no frequency). This sequence change replaces leucine, which is neutral and non-polar, with proline, which is neutral and non-polar, at codon 365 of the ADGRE2 protein (p.Leu365Pro).

NM_013447.4(ADGRE2):c.1094T>C (p.Leu365Pro)

Gene: ADGRE2 (adhesion G protein-coupled receptor E2; minus strand). Cytogenetic location: 19p13.12.
Variant type: single nucleotide variant.
Coding change: c.1094T>C on transcript NM_013447.4 (MANE Select); coding-DNA position 1094, T replaced by C.
Protein change: p.Leu365Pro; replaces leucine 365 with proline.
Molecular consequence: missense variant.
Genome position (GRCh38, 1-based): chr19:14,756,336, A>G on the plus strand (T>C on the coding strand, the complement: ADGRE2 is on the minus strand). VCF-style: chr19-14756336-A-G. GRCh37 (hg19) VCF-style: chr19-14867148-A-G.
Other names: c.1094T>C (NM_013447.2); c.1094T>C, p.Leu365Pro (NM_001271052.1); c.947T>C, p.Leu316Pro (NM_152916.2); c.815T>C, p.Leu272Pro (NM_152917.2); short protein forms L272P, L316P, L365P.
Identifiers: ClinVar variation 2843214 (VCV002843214.4), dbSNP rs2513109946, ClinGen allele CA404456349.